The following is an entry in ClinVar:

NM_004204.5(PIGQ):c.101C>T (p.Ala34Val)

Gene: PIGQ (phosphatidylinositol glycan anchor biosynthesis class Q; plus strand). Cytogenetic location: 16p13.3.
Variant type: single nucleotide variant.
Coding change: c.101C>T on transcript NM_004204.5 (MANE Select); coding-DNA position 101, C replaced by T.
Protein change: p.Ala34Val; replaces alanine 34 with valine.
Molecular consequence: missense variant.
Genome position (GRCh38, 1-based): chr16:574,175, C>T. VCF-style: chr16-574175-C-T. GRCh37 (hg19) VCF-style: chr16-624175-C-T.
Other names: c.101C>T, p.Ala34Val (NM_148920.4); short protein forms A34V.
Identifiers: ClinVar variation 2157790 (VCV002157790.2), dbSNP rs781121794, ClinGen allele CA7779782.

ClinVar aggregate classification (germline): Uncertain significance (1 of 4 stars; one submission).

Conditions:
Epilepsy. Also called: Seizure disorder. Identifiers: MedGen C0014544, MeSH D004827, MONDO:0005027.

Allele frequency attached by ClinVar (database versions not stated): ExAC 0.00001; TOPMed 0.00001; gnomAD 0.00002.

Submission:

Labcorp Genetics (formerly Invitae), Labcorp
Classification: Uncertain significance for Epilepsy. Last evaluated: 2022-05-25. Review status: criteria provided, single submitter. Criteria: Invitae Variant Classification Sherloc (09022015). Collection method: clinical testing. Allele origin: germline.
Comment: In summary, the available evidence is currently insufficient to determine the role of this variant in disease. Therefore, it has been classified as a Variant of Uncertain Significance. Algorithms developed to predict the effect of missense changes on protein structure and function are either unavailable or do not agree on the potential impact of this missense change (SIFT: "Tolerated"; PolyPhen-2: "Possibly Damaging"; Align-GVGD: "Class C0"). This variant has not been reported in the literature in individuals affected with PIGQ-related conditions. This variant is present in population databases (rs781121794, gnomAD 0.003%). This sequence change replaces alanine, which is neutral and non-polar, with valine, which is neutral and non-polar, at codon 34 of the PIGQ protein (p.Ala34Val).